The following is an entry in ClinVar:

ClinVar aggregate classification (germline): Uncertain significance (1 of 4 stars; one submission).

Conditions:
GNPTG-mucolipidosis. Also called: ML III GAMMA; ML IIIC; MUCOLIPIDOSIS III, COMPLEMENTATION GROUP C; MUCOLIPIDOSIS III, IRANIAN VARIANT FORM; MUCOLIPIDOSIS III, VARIANT FORM; Mucolipidosis type III gamma. Identifiers: Orphanet 423470, Orphanet 577, MedGen C1854896, MONDO:0009652, OMIM 252605.

Submission:

Myriad Genetics, Inc.
Classification: Uncertain significance for GNPTG-mucolipidosis. Last evaluated: 2026-04-03. Review status: criteria provided, single submitter. Criteria: Myriad Autosomal Dominant, Autosomal Recessive and X-Linked Classification Criteria (2023). Collection method: clinical testing. Allele origin: unknown.
Comment: NM_032520.4(GNPTG):c.890delG(G297Vfs*37) is a readthrough frameshift variant classified as a variant of uncertain significance in the context of mucolipidosis III gamma. G297Vfs*37 has not been observed in cases with relevant disease. Relevant functional assessments of this variant are not available in the literature. G297Vfs*37 has not been observed in referenced population frequency databases. In summary, there is insufficient evidence to classify NM_032520.4(GNPTG):c.890delG(G297Vfs*37) as pathogenic or benign. Please note: this variant was assessed in the context of healthy population screening.

NM_032520.5(GNPTG):c.890del (p.Gly297fs)

Gene: GNPTG (N-acetylglucosamine-1-phosphate transferase subunit gamma; plus strand). Cytogenetic location: 16p13.3.
Variant type: Deletion.
Coding change: c.890del on transcript NM_032520.5 (MANE Select); coding-DNA position 890, one base deleted (G; older notation c.890delG).
Protein change: p.Gly297fs; shifts the reading frame from glycine 297.
Molecular consequence: frameshift variant.
Genome position (GRCh38, 1-based): chr16:1,363,063, G deleted; the last of 4 consecutive G bases (chr16:1,363,060-1,363,063); deleting any one gives the same sequence. VCF-style (leftmost placement, unchanged base first): chr16-1363059-CG-C. GRCh37 (hg19) VCF-style: chr16-1413060-CG-C.
Other names: short protein forms G297fs.
Identifiers: ClinVar variation 5004583 (VCV005004583.1).